The following is an entry in ClinVar:

ClinVar aggregate classification (germline): Uncertain significance (1 of 4 stars; one submission).

gnomAD v4.1: 1 of 1,614,070 alleles (0.000062%); highest among the groups gnomAD compares: Non-Finnish European, 0.000085%; no homozygotes.

Submission:

Ambry Genetics
Classification: Uncertain significance. Last evaluated: 2023-02-28. Review status: criteria provided, single submitter. Criteria: Ambry Variant Classification Scheme 2023. Collection method: clinical testing. Allele origin: germline.
Comment: The p.T661P variant (also known as c.1981A>C), located in coding exon 1 of the MLH3 gene, results from an A to C substitution at nucleotide position 1981. The threonine at codon 661 is replaced by proline, an amino acid with highly similar properties. This amino acid position is conserved. In addition, this alteration is predicted to be tolerated by in silico analysis. Since supporting evidence is limited at this time, the clinical significance of this alteration remains unclear.

NM_001040108.2(MLH3):c.1981A>C (p.Thr661Pro)

Gene: MLH3 (mutL homolog 3; minus strand). Cytogenetic location: 14q24.3.
Variant type: single nucleotide variant.
Coding change: c.1981A>C on transcript NM_001040108.2 (MANE Select); coding-DNA position 1981, A replaced by C.
Protein change: p.Thr661Pro; replaces threonine 661 with proline.
Molecular consequence: missense variant.
Genome position (GRCh38, 1-based): chr14:75,047,675, T>G on the plus strand (A>C on the coding strand, the complement: MLH3 is on the minus strand). VCF-style: chr14-75047675-T-G. GRCh37 (hg19) VCF-style: chr14-75514378-T-G.
Other names: c.1981A>C, p.Thr661Pro (NM_014381.3); short protein forms T661P.
Identifiers: ClinVar variation 2497091 (VCV002497091.2), dbSNP rs1289171734, ClinGen allele CA390443527.